The following is an entry in ClinVar:

NM_004006.3(DMD):c.960+330G>A

Gene: DMD (dystrophin; minus strand). Cytogenetic location: Xp21.1.
Variant type: single nucleotide variant.
Coding change: c.960+330G>A on transcript NM_004006.3 (MANE Select); 330 bases into the intron after coding-DNA position 960, G replaced by A.
Molecular consequence: intron variant.
Genome position (GRCh38, 1-based): chrX:32,697,540, C>T on the plus strand (G>A on the coding strand, the complement: DMD is on the minus strand). VCF-style: chrX-32697540-C-T. GRCh37 (hg19) VCF-style: chrX-32715657-C-T.
Other names: c.936+330G>A (NM_000109.4); c.948+330G>A (NM_004009.3); c.591+330G>A (NM_004010.3).
Identifiers: ClinVar variation 680692 (VCV000680692.1), dbSNP rs6631628, ClinGen allele CA328553640.

ClinVar aggregate classification (germline): Benign (1 of 4 stars; one submission).

Allele frequency attached by ClinVar (database versions not stated): gnomAD 0.14301 and 0.15259; 1000 Genomes Project 0.15073; TOPMed 0.15707; 1000 Genomes Project 30x 0.15838.
gnomAD v4.1: 15,785 of 111,393 alleles (14%); highest among the groups gnomAD compares: African/African-American, 48%; 2,618 homozygotes.

Submission:

GeneDx
Classification: Benign. Last evaluated: 2018-06-14. Review status: criteria provided, single submitter. Criteria: GeneDx Variant Classification (06012015). Collection method: clinical testing. Allele origin: germline. Affected: yes.
Comment: This variant is considered likely benign or benign based on one or more of the following criteria: it is a conservative change, it occurs at a poorly conserved position in the protein, it is predicted to be benign by multiple in silico algorithms, and/or has population frequency not consistent with disease.